The following is an entry in ClinVar:

ClinVar aggregate classification (germline): Uncertain significance (1 of 4 stars; one submission).

gnomAD v4.1: 1 of 1,586,744 alleles (0.000063%); highest among the groups gnomAD compares: Non-Finnish European, 0.000085%; no homozygotes.

Submission:

Labcorp Genetics (formerly Invitae), Labcorp
Classification: Uncertain significance. Last evaluated: 2025-12-21. Review status: criteria provided, single submitter. Criteria: Invitae Variant Classification Sherloc (09022015). Collection method: clinical testing. Allele origin: germline.
Comment: This sequence change replaces arginine, which is basic and polar, with threonine, which is neutral and polar, at codon 33 of the NTHL1 protein (p.Arg33Thr). This variant is not present in population databases (gnomAD no frequency). This variant has not been reported in the literature in individuals affected with NTHL1-related conditions. An algorithm developed to predict the effect of missense changes on protein structure and function (PolyPhen-2) suggests that this variant is likely to be tolerated. In summary, the available evidence is currently insufficient to determine the role of this variant in disease. Therefore, it has been classified as a Variant of Uncertain Significance.

NM_002528.7(NTHL1):c.74G>C (p.Arg25Thr)

Gene: NTHL1 (nth like DNA glycosylase 1; minus strand). Cytogenetic location: 16p13.3.
Variant type: single nucleotide variant.
Coding change: c.74G>C on transcript NM_002528.7 (MANE Select); coding-DNA position 74, G replaced by C.
Protein change: p.Arg25Thr; replaces arginine 25 with threonine.
Molecular consequence: missense variant. On other transcripts: 5 prime UTR variant (1).
Genome position (GRCh38, 1-based): chr16:2,047,750, C>G on the plus strand (G>C on the coding strand, the complement: NTHL1 is on the minus strand). VCF-style: chr16-2047750-C-G. GRCh37 (hg19) VCF-style: chr16-2097751-C-G.
Other names: c.74G>C, p.Arg25Thr (NM_001318193.2); c.-105G>C (NM_001318194.2); short protein forms R25T.
Identifiers: ClinVar variation 4733751 (VCV004733751.1).